The following is an entry in ClinVar:

NM_201384.3(PLEC):c.1415G>A (p.Arg472His)

Gene: PLEC (plectin; minus strand). Cytogenetic location: 8q24.3.
Variant type: single nucleotide variant.
Coding change: c.1415G>A on transcript NM_201384.3 (MANE Select); coding-DNA position 1415, G replaced by A.
Protein change: p.Arg472His; replaces arginine 472 with histidine.
Molecular consequence: missense variant.
Genome position (GRCh38, 1-based): chr8:143,933,200, C>T on the plus strand (G>A on the coding strand, the complement: PLEC is on the minus strand). VCF-style: chr8-143933200-C-T. GRCh37 (hg19) VCF-style: chr8-145007368-C-T.
Other names: c.1427G>A, p.Arg476His (NM_201383.3); c.1496G>A, p.Arg499His (NM_000445.5, NM_001410941.1); c.1373G>A, p.Arg458His (NM_201378.4); c.1349G>A, p.Arg450His (NM_201379.3); c.1826G>A, p.Arg609His (NM_201380.4); c.1319G>A, p.Arg440His (NM_201381.3); c.1415G>A, p.Arg472His (NM_201382.4); short protein forms R440H, R609H, R499H, R450H, R458H, R472H, R476H.
Identifiers: ClinVar variation 2101308 (VCV002101308.4), dbSNP rs374962842, ClinGen allele CA4927984.

ClinVar aggregate classification (germline): Uncertain significance (1 of 4 stars; one submission).

Conditions:
Epidermolysis bullosa simplex 5C, with pyloric atresia (EBS5C). Also called: PLEC-Related Epidermolysis Bullosa with Pyloric Atresia; Epidermolysis bullosa simplex with pyloric atresia; PLEC1-Related Epidermolysis Bullosa with Pyloric Atresia. Identifiers: Orphanet 158684, MedGen C2677349, MONDO:0012807, OMIM 612138.
Autosomal recessive limb-girdle muscular dystrophy type 2Q (LGMDR17). Also called: MUSCULAR DYSTROPHY, LIMB-GIRDLE, AUTOSOMAL RECESSIVE 17. Identifiers: Orphanet 254361, MedGen C3150989, MONDO:0013390, OMIM 613723.
Epidermolysis bullosa simplex, Ogna type (EBS5A). Also called: Pidermolysis bullosa simplex 5A, Ogna type; EPIDERMOLYSIS BULLOSA SIMPLEX 5A, OGNA TYPE. Identifiers: Orphanet 79401, MedGen C0432317, MONDO:0007555, OMIM 131950.
Epidermolysis bullosa simplex 5B, with muscular dystrophy (EBS5B). Also called: Epidermolysis bullosa simplex with muscular dystrophy; EPIDERMOLYSIS BULLOSA SIMPLEX AND LIMB-GIRDLE MUSCULAR DYSTROPHY. Identifiers: Orphanet 257, MedGen C2931072, MONDO:0009181, OMIM 226670.
Epidermolysis bullosa simplex with nail dystrophy (EBS5D). Identifiers: MedGen C4225309, MONDO:0014661, OMIM 616487.

Allele frequency attached by ClinVar (database versions not stated): TOPMed 0.00002; gnomAD 0.00003; ExAC 0.00006; 1000 Genomes Project 30x 0.00016; 1000 Genomes Project 0.00020.

Submission:

Labcorp Genetics (formerly Invitae), Labcorp
Classification: Uncertain significance for Autosomal recessive limb-girdle muscular dystrophy type 2Q; Epidermolysis bullosa simplex, Ogna type; Epidermolysis bullosa simplex with nail dystrophy; Epidermolysis bullosa simplex 5C, with pyloric atresia; Epidermolysis bullosa simplex 5B, with muscular dystrophy. Last evaluated: 2022-08-27. Review status: criteria provided, single submitter. Criteria: Invitae Variant Classification Sherloc (09022015). Collection method: clinical testing. Allele origin: germline.
Comment: Algorithms developed to predict the effect of missense changes on protein structure and function are either unavailable or do not agree on the potential impact of this missense change (SIFT: "Deleterious"; PolyPhen-2: "Not Available"; Align-GVGD: "Class C25"). This sequence change replaces arginine, which is basic and polar, with histidine, which is basic and polar, at codon 499 of the PLEC protein (p.Arg499His). This variant is present in population databases (rs374962842, gnomAD 0.04%). This variant has not been reported in the literature in individuals affected with PLEC-related conditions. In summary, the available evidence is currently insufficient to determine the role of this variant in disease. Therefore, it has been classified as a Variant of Uncertain Significance.